The following is an entry in ClinVar:

NM_001270508.2(TNFAIP3):c.1904_1905del (p.Lys635fs)

Gene: TNFAIP3 (TNF alpha induced protein 3; plus strand). Cytogenetic location: 6q23.3.
Variant type: Deletion.
Coding change: c.1904_1905del on transcript NM_001270508.2 (MANE Select); coding-DNA positions 1904 to 1905, 2 bases deleted (AA; older notation c.1904_1905delAA).
Protein change: p.Lys635fs; shifts the reading frame from lysine 635.
Molecular consequence: frameshift variant.
Genome position (GRCh38, 1-based): chr6:137,879,349-137,879,350, AA deleted; deleting any 2 consecutive bases within chr6:137,879,348-137,879,350 gives the same sequence; the c. name uses the placement nearest the transcript's 3' end. VCF-style (leftmost placement, unchanged base first): chr6-137879347-CAA-C. GRCh37 (hg19) VCF-style: chr6-138200484-CAA-C.
Other names: c.1904_1905del, p.Lys635fs (NM_001270507.2, NM_006290.4); short protein forms K635fs.
Identifiers: ClinVar variation 1356180 (VCV001356180.6), dbSNP rs2114506723, ClinGen allele CA2573140558.

ClinVar aggregate classification (germline): Pathogenic (1 of 4 stars; one submission).

Submission:

Labcorp Genetics (formerly Invitae), Labcorp
Classification: Pathogenic. Last evaluated: 2022-07-19. Review status: criteria provided, single submitter. Criteria: Invitae Variant Classification Sherloc (09022015). Collection method: clinical testing. Allele origin: germline.
Comment: This variant has not been reported in the literature in individuals affected with TNFAIP3-related conditions. This sequence change creates a premature translational stop signal (p.Lys635Thrfs*36) in the TNFAIP3 gene. It is expected to result in an absent or disrupted protein product. Loss-of-function variants in TNFAIP3 are known to be pathogenic (PMID: 26642243). This variant is not present in population databases (gnomAD no frequency). ClinVar contains an entry for this variant (Variation ID: 1356180). For these reasons, this variant has been classified as Pathogenic.

Literature cited by the submitters: PubMed 26642243.